The following is an entry in ClinVar:

ClinVar aggregate classification (germline): Likely pathogenic (1 of 4 stars; one submission).

Conditions:
Autosomal recessive limb-girdle muscular dystrophy type 2J (LGMDR10). Also called: Limb-girdle muscular dystrophy, type 2J; MUSCULAR DYSTROPHY, LIMB-GIRDLE, AUTOSOMAL RECESSIVE 10. Identifiers: Orphanet 140922, MedGen C1837342, MONDO:0012127, OMIM 608807.
Dilated cardiomyopathy 1G (CMD1G). Identifiers: Orphanet 154, MedGen C1858763, MONDO:0011400, OMIM 604145.

gnomAD v4.1: 1 of 1,572,880 alleles (0.000064%); highest among the groups gnomAD compares: South Asian, 0.0012%; no homozygotes.

Submission:

Labcorp Genetics (formerly Invitae), Labcorp
Classification: Likely pathogenic for Dilated cardiomyopathy 1G; Autosomal recessive limb-girdle muscular dystrophy type 2J. Last evaluated: 2025-10-01. Review status: criteria provided, single submitter. Criteria: Invitae Variant Classification Sherloc (09022015). Collection method: clinical testing. Allele origin: germline.
Comment: This sequence change creates a premature translational stop signal (p.Lys21469*) in the TTN gene. While this is not anticipated to result in nonsense mediated decay, it is expected to create a truncated TTN protein. This variant is not present in population databases (gnomAD no frequency). This variant has not been reported in the literature in individuals affected with TTN-related conditions. This variant is located in the A band of TTN (PMID: 25589632). Truncating variants in this region are significantly overrepresented in patients affected with dilated cardiomyopathy (PMID: 25589632). Truncating variants in this region have also been reported in individuals affected with autosomal recessive centronuclear myopathy (PMID: 23975875). In summary, the currently available evidence indicates that the variant is pathogenic, but additional data are needed to prove that conclusively. Therefore, this variant has been classified as Likely Pathogenic.

Literature cited by the submitters: PubMed 25589632; PubMed 23975875.

NM_001267550.2(TTN):c.64405A>T (p.Lys21469Ter)

Genes: TTN-AS1 (TTN antisense RNA 1; plus strand), TTN (titin; minus strand). Cytogenetic location: 2q31.2.
Variant type: single nucleotide variant.
Coding change: c.64405A>T on transcript NM_001267550.2 (MANE Select); coding-DNA position 64405, A replaced by T.
Protein change: p.Lys21469Ter; replaces lysine 21469 with a stop codon.
Molecular consequence: nonsense.
Genome position (GRCh38, 1-based): chr2:178,585,339, T>A on the plus strand (A>T on the coding strand, the complement: TTN is on the minus strand). VCF-style: chr2-178585339-T-A. GRCh37 (hg19) VCF-style: chr2-179450066-T-A.
Other names: c.59482A>T, p.Lys19828Ter (NM_001256850.1); c.37210A>T, p.Lys12404Ter (NM_003319.4); c.56701A>T, p.Lys18901Ter (NM_133378.4); c.37585A>T, p.Lys12529Ter (NM_133432.3); c.37786A>T, p.Lys12596Ter (NM_133437.4); short protein forms K12404*, K12596*, K18901*, K21469*, K12529*, K19828*.
Identifiers: ClinVar variation 4786280 (VCV004786280.1).